The following is an entry in ClinVar:

ClinVar aggregate classification (germline): Likely pathogenic. Review status: reviewed by expert panel (3 of 4 stars). 2 submissions from 2 submitters: Likely pathogenic (1). 1 of the submissions does not count toward it. Last evaluated 2024-04-06.

Conditions:
Monogenic diabetes. Identifiers: Orphanet 183625, MedGen C3888631, MONDO:0015967.
Maturity-onset diabetes of the young type 1. Also called: MODY, type I; MODY type 1; Diabetes mellitus MODY type 1; MODY HNF4A related; HNF4A-Related Maturity-Onset Diabetes of the Young Type 1; MILD JUVENILE DIABETES MELLITUS. Identifiers: Orphanet 552, MedGen C1852093, MONDO:0007452, OMIM 125850. Disease mechanism: loss of function.

Submissions (2):

ClinGen Monogenic Diabetes Variant Curation Expert Panel
Classification: Likely pathogenic for Monogenic diabetes. Last evaluated: 2024-04-06. Review status: reviewed by expert panel. Criteria: ClinGen Diabetes ACMG Specifications HNF4A V2.0.0. Collection method: curation. Allele origin: germline. Inheritance: Autosomal dominant inheritance.
Comment: The c.1del variant in the hepatic nuclear factor 4-alpha gene, HNF4A, results in the loss of the initiation codon (p.Met1?) of NM_175914.5. By altering the start codon of the coding sequence, this variant may cause a truncated or absent protein in a gene in which loss-of-function is an established disease mechanism (PMID: 23348805).This variant is absent from gnomAD v2.1.1 (PM2_Supporting). This variant segregated with diabetes, with three informative meioses in one family (PP1; Internal lab contributors). In summary, c.1del meets the criteria to be classified as likely pathogenic for monogenic diabetes. ACMG/AMP criteria applied, as specified by the ClinGen MDEP (specification version 2.0.0, approved 10/11/1024): PVS1_Strong, PP4_Moderate, PP1, PM2_Supporting.

Exeter Genomics Laboratory, Royal Devon University Healthcare NHS Foundation Trust
Classification: Likely pathogenic for Maturity-onset diabetes of the young type 1. Last evaluated: 2021-10-05. Review status: criteria provided, single submitter. Criteria: ACMG Guidelines, 2015. Collection method: clinical testing. Allele origin: inherited. Inheritance: Autosomal dominant inheritance. Affected: yes. Observed: 4 variant alleles, 4 heterozygotes. Not counted in ClinVar's aggregate classification.
Comment: The c.1del variant in the HNF4 homeobox A gene, HNF4A, results in the loss of the initiation codon (p.Met1?) in exon 1 of the pancreatic specific HNF4A isoform NM_175914.5. By altering the start codon of the coding sequence, this variant may cause a truncated or absent protein in a gene in which loss-of-function is an established disease mechanism (PVS1_Moderate; PMID: 23348805). However, PS4_Moderate cannot be applied because this number is below the ClinGen MDEP threshold. This individual has a clinical history highly specific for HNF4A-MODY (MODY probability calculator result >50%, negative genetic testing for HNF1A, and sensitive so sulfonylureas) (PP4_Moderate). In summary, c.1del meets the criteria to be classified as likely pathogenic for monogenic diabetes. ACMG/AMP criteria applied: PVS1_Moderate, PP4_Moderate, PP1_Supporting, PM2_Supporting.

Literature cited by the submitters: PubMed 23348805 (cited by Exeter Genomics Laboratory, Royal Devon University Healthcare NHS Foundation Trust).

NM_175914.5(HNF4A):c.1del (p.Met1fs)

Gene: HNF4A (hepatocyte nuclear factor 4 alpha; plus strand). Cytogenetic location: 20q13.12.
Variant type: Deletion.
Coding change: c.1del on transcript NM_175914.5 (MANE Select); coding-DNA position 1, one base deleted (A; older notation c.1delA).
Protein change: p.Met1fs; shifts the reading frame from methionine 1.
Molecular consequence: frameshift variant, initiator codon variant. On other transcripts: 5 prime UTR variant (3).
Genome position (GRCh38, 1-based): chr20:44,355,805, A deleted. VCF-style (leftmost placement, unchanged base first): chr20-44355804-CA-C. GRCh37 (hg19) VCF-style: chr20-42984444-CA-C.
Other names: NM_175914.5(HNF4A):c.1del; p.Met1fs; c.1del, p.Met1fs (NM_001030003.3, NM_001030004.3); c.-231del (NM_001287182.2, NM_001287183.2, NM_001287184.2); short protein forms M1fs.
Identifiers: ClinVar variation 1299752 (VCV001299752.4), dbSNP rs2146127577, ClinGen allele CA2499225757.
Genomic context (GRCh38, chr20:44,355,804, plus strand): 5'-CTGCTGTGAGCGGGCCCCTGCTCCTCCATGCCCCCAGCTCTCCGGCTGGGTGGGCTTGGC[CA>C]TGGTCAGCGTGAACGCGCCCCTCGGGGCTCCAGTGGAGAGTTCTTACGGTAAGTGGGGCT-3'